The following is an entry in ClinVar:

ClinVar aggregate classification (germline): Likely pathogenic (1 of 4 stars; one submission).

Conditions:
Classic homocystinuria. Also called: Homocystinuria due to CBS deficiency; Cystathionine beta-synthase deficiency; CBS deficiency; Homocystinuria due to Cystathionine Beta-Synthase Deficiency; HOMOCYSTINURIA WITH OR WITHOUT RESPONSE TO PYRIDOXINE. Identifiers: Orphanet 394, MedGen C0751202, MONDO:0009352, OMIM 236200.

Submission:

Myriad Genetics, Inc.
Classification: Likely pathogenic for Classic homocystinuria. Last evaluated: 2022-04-12. Review status: criteria provided, single submitter. Criteria: Myriad Women's Health Autosomal Recessive and X-Linked Classification Criteria (2021). Collection method: clinical testing. Allele origin: unknown.
Comment: NM_000071.2(CBS):c.95del1ins12(S32Yfs*54) is expected to be pathogenic in the context of homocystinuria, CBS-related. This variant is predicted to lead to an abnormal or absent protein product due to the creation of a premature termination codon in CBS, a gene where loss-of-function variants are known to be pathogenic. Please note: this variant was assessed in the context of healthy population screening.

NM_000071.3(CBS):c.95delinsATAAGAGACAGT (p.Ser32fs)

Gene: CBS (cystathionine beta-synthase; minus strand). Cytogenetic location: 21q22.3.
Variant type: Indel.
Coding change: c.95delinsATAAGAGACAGT on transcript NM_000071.3 (MANE Select); coding-DNA position 95, C replaced by ATAAGAGACAGT.
Protein change: p.Ser32fs; shifts the reading frame from serine 32.
Molecular consequence: frameshift variant.
Genome position (GRCh38, 1-based): chr21:43,072,099, G replaced by ACTGTCTCTTAT on the plus strand (C replaced by ATAAGAGACAGT on the coding strand, the reverse complement: CBS is on the minus strand). VCF-style: chr21-43072099-G-ACTGTCTCTTAT. GRCh37 (hg19) VCF-style: chr21-44492209-G-ACTGTCTCTTAT.
Other names: c.95delinsATAAGAGACAGT, p.Ser32fs (NM_001178008.3, NM_001178009.3, NM_001320298.2); short protein forms S32fs.
Identifiers: ClinVar variation 1725905 (VCV001725905.2), dbSNP rs2517483521, ClinGen allele CA2580098754.
Genomic context (GRCh38, chr21:43,072,099, plus strand): 5'-CACCTGCTCGGAGCATCGGGCCGGATCCACAGGGGCTCCTTGGCTTCCTTATCCTCTGGG[G>ACTGTCTCTTAT]ACCCCTTCTCCAGGCTCCCCTTCGCCGAGTGTGGCCCTGAGCGGTGGGGGCAGCCTGTGG-3'